The following is an entry in ClinVar:

ClinVar aggregate classification (germline): Pathogenic. Review status: criteria provided, multiple submitters, no conflicts (2 of 4 stars). 4 submissions from 4 submitters: Pathogenic (4). Last evaluated 2024-06-25.

Conditions:
Hereditary cancer-predisposing syndrome. Also called: Tumor predisposition; Hereditary Cancer Syndrome; Hereditary neoplastic syndrome; Neoplastic Syndromes, Hereditary. Identifiers: Orphanet 140162, MedGen C0027672, MeSH D009386, MONDO:0015356.
Familial adenomatous polyposis 1 (FAP1). Also called: FAMILIAL ADENOMATOUS POLYPOSIS 1, ATTENUATED; POLYPOSIS, ADENOMATOUS INTESTINAL. Identifiers: MedGen C2713442, MONDO:0021056, OMIM 175100. Disease mechanism: loss of function.

Submissions (4):

Labcorp Genetics (formerly Invitae), Labcorp
Classification: Pathogenic for Familial adenomatous polyposis 1. Last evaluated: 2024-06-25. Review status: criteria provided, single submitter. Criteria: Invitae Variant Classification Sherloc (09022015). Collection method: clinical testing. Allele origin: germline.
Comment: This sequence change creates a premature translational stop signal (p.Asn1546Lysfs*11) in the APC gene. While this is not anticipated to result in nonsense mediated decay, it is expected to disrupt the last 1298 amino acid(s) of the APC protein. This variant is not present in population databases (gnomAD no frequency). This premature translational stop signal has been observed in individual(s) with familial adenomatous polyposis (PMID: 1316610, 12010888, 15108286, 20685668, 21643010). It has also been observed to segregate with disease in related individuals. ClinVar contains an entry for this variant (Variation ID: 537539). This variant is expected to disrupt the EB1 and HDLG binding sites, which mediate interactions with the cytoskeleton (PMID: 15311282, 17293347). While functional studies have not been performed to directly test the effect on APC protein function, this suggests that disruption of the C-terminal portion of the protein is functionally important. A different truncation (p.Tyr2645Lysfs*14) that lies downstream of this variant has been determined to be pathogenic (PMID: 9824584, 1316610, 27081525, 8381579, 22135120, Invitae). This suggests that deletion of this region of the APC protein is causative of disease. For these reasons, this variant has been classified as Pathogenic.

Myriad Genetics, Inc.
Classification: Pathogenic for Familial adenomatous polyposis 1. Last evaluated: 2023-05-11. Review status: criteria provided, single submitter. Criteria: Myriad Autosomal Dominant, Autosomal Recessive and X-Linked Classification Criteria (2023). Collection method: clinical testing. Allele origin: unknown.
Comment: This variant is considered pathogenic. This variant creates a frameshift predicted to result in premature protein truncation.

Ambry Genetics
Classification: Pathogenic for Hereditary cancer-predisposing syndrome. Last evaluated: 2023-03-01. Review status: criteria provided, single submitter. Criteria: Ambry Variant Classification Scheme 2023. Collection method: clinical testing. Allele origin: germline.
Comment: The c.4638_4642delTGAAA pathogenic mutation, located in coding exon 15 of the APC gene, results from a deletion of 5 nucleotides at nucleotide positions 4638 to 4642, causing a translational frameshift with a predicted alternate stop codon (p.N1546Kfs*11). This alteration occurs at the 3' terminus of theAPC gene, is not expected to trigger nonsense-mediated mRNA decay, and impacts the last 1546 amino acids of the protein. However, premature stop codons are typically deleterious in nature and the impacted region is critical for protein function (Ambry internal data). This alteration has been identified in numerous unaffected individuals with a phenotype consistent with FAP/ AFAP, including some individuals reporting extracolonic manifestations such as desmoid tumors and osteomas (Bisgaard ML et al. Hum Mutat. 2004 May;23:522; Lagarde A et al. J Med Genet. 2010 Oct;47:721-2; Rohlin A et al. Oncogene. 2011 Dec;30:4977-89; Ambry internal data). This variant is considered to be rare based on population cohorts in the Genome Aggregation Database (gnomAD). Based on the supporting evidence, this alteration is interpreted as a disease-causing mutation.

Color Diagnostics, LLC DBA Color Health
Classification: Pathogenic for Hereditary cancer-predisposing syndrome. Last evaluated: 2020-01-14. Review status: criteria provided, single submitter. Criteria: ACMG Guidelines, 2015. Collection method: clinical testing. Allele origin: germline.
Comment: This variant deletes 5 nucleotides in exon 16 of the APC gene, creating a frameshift and premature translation stop signal. This variant is expected to result in an absent or non-functional protein product. To our knowledge, functional studies have not been performed for this variant. This variant has been reported in multiple individuals with familial adenomatous polyposis (PMID: 1316610, 20685668, 21643010, 15108286). This variant has been observed to segregate with familial adenomatous polyposis in a family of three affected individuals (PMID: 15108286). This variant has not been identified in the general population by the Genome Aggregation Database (gnomAD). Loss of APC function is a known mechanism of disease. Based on the available evidence, this variant is classified as Pathogenic.

Literature cited by the submitters: PubMed 1316610 (cited by Labcorp Genetics (formerly Invitae), Labcorp); PubMed 12010888 (cited by Labcorp Genetics (formerly Invitae), Labcorp); PubMed 15108286 (cited by Labcorp Genetics (formerly Invitae), Labcorp and Ambry Genetics); PubMed 20685668 (cited by Labcorp Genetics (formerly Invitae), Labcorp and Ambry Genetics); PubMed 21643010 (cited by Labcorp Genetics (formerly Invitae), Labcorp and Ambry Genetics); PubMed 15311282 (cited by Labcorp Genetics (formerly Invitae), Labcorp); PubMed 17293347 (cited by Labcorp Genetics (formerly Invitae), Labcorp); PubMed 9824584 (cited by Labcorp Genetics (formerly Invitae), Labcorp); PubMed 27081525 (cited by Labcorp Genetics (formerly Invitae), Labcorp); PubMed 8381579 (cited by Labcorp Genetics (formerly Invitae), Labcorp); PubMed 22135120 (cited by Labcorp Genetics (formerly Invitae), Labcorp); PubMed 33788735 (cited by Ambry Genetics).

NM_000038.6(APC):c.4638_4642del (p.Asn1546fs)

Gene: APC (APC regulator of Wnt signaling pathway; plus strand). Cytogenetic location: 5q22.2.
Variant type: Deletion.
Coding change: c.4638_4642del on transcript NM_000038.6 (MANE Select); coding-DNA positions 4638 to 4642, 5 bases deleted (TGAAA; older notation c.4638_4642delTGAAA).
Protein change: p.Asn1546fs; shifts the reading frame from asparagine 1546.
Molecular consequence: frameshift variant.
Genome position (GRCh38, 1-based): chr5:112,840,232-112,840,236, TGAAA deleted; deleting any 5 consecutive bases within chr5:112,840,229-112,840,236 gives the same sequence; the c. name uses the placement nearest the transcript's 3' end. VCF-style (leftmost placement, unchanged base first): chr5-112840228-CAAATG-C. GRCh37 (hg19) VCF-style: chr5-112175925-CAAATG-C.
Other names: c.4638_4642del, p.Asn1546fs (NM_001127510.3, NM_001354895.2); c.4584_4588del, p.Asn1528fs (NM_001127511.3); c.4692_4696del, p.Asn1564fs (NM_001354896.2); c.4668_4672del, p.Asn1556fs (NM_001354897.2); c.4563_4567del, p.Asn1521fs (NM_001354898.2); c.4554_4558del, p.Asn1518fs (NM_001354899.2); c.4515_4519del, p.Asn1505fs (NM_001354900.2); c.4461_4465del, p.Asn1487fs (NM_001354901.2); and 6 more; short protein forms N1521fs, N1528fs, N1556fs, N1564fs, N1386fs, N1445fs, N1455fs, N1487fs.
Identifiers: ClinVar variation 537539 (VCV000537539.18), dbSNP rs1554086030, ClinGen allele CA446206637.
Genomic context (GRCh38, chr5:112,840,228, plus strand): 5'-TGCCTCCAGTTCAGGAAAATGACAATGGGAATGAAACAGAATCAGAGCAGCCTAAAGAAT[CAAATG>C]AAAACCAAGAGAAAGAGGCAGAAAAAACTATTGATTCTGAAAAGGACCTATTAGATGATT-3'